The following is an entry in ClinVar:

ClinVar aggregate classification (germline): Conflicting classifications of pathogenicity. Review status: criteria provided, conflicting classifications (1 of 4 stars). 18 submissions from 16 submitters: Uncertain significance (1); Benign (4); Likely benign (10). 3 of the submissions do not count toward it. Last evaluated 2026-09-02.

Conditions:
Ehlers-Danlos syndrome, arthrochalasia type. Also called: ARTHROCHALASIS MULTIPLEX CONGENITA; EDS VII, MUTANT PROCOLLAGEN TYPE; EDS VIIA; Ehlers-Danlos syndrome, arthrochalasis type; Ehlers-Danlos syndrome, arthrochalasia type, 1. Identifiers: Orphanet 1899, Orphanet 99875, Orphanet 99876, MedGen C4551623, MONDO:0007525, OMIM 130060.
Infantile cortical hyperostosis. Also called: Hyperostosis, Cortical, Congenital; Caffey Disease; P1PK BLOOD GROUP SYSTEM, P(2) PHENOTYPE. Identifiers: Orphanet 1310, MedGen C0020497, MONDO:0007244, OMIM 114000.
Osteogenesis imperfecta (OI). Identifiers: Orphanet 666, MedGen C0029434, MeSH D010013, MONDO:0019019.
Connective tissue disorder. Also called: Connective tissue disease. Identifiers: MedGen C0009782, MONDO:0003900.
Ehlers-Danlos syndrome (EDS). Identifiers: Orphanet 98249, MedGen C0013720, MONDO:0020066.
Osteogenesis imperfecta type I (OI1). Also called: OI, TYPE I; OSTEOGENESIS IMPERFECTA TARDA; OSTEOGENESIS IMPERFECTA WITH BLUE SCLERAE; Osteogenesis imperfecta type 1; Lobstein disease; Classic Non-deforming Osteogenesis Imperfecta with Blue Sclerae. Identifiers: Orphanet 216796, Orphanet 666, MedGen C0023931, MONDO:0008146, OMIM 166200. Disease mechanism: loss of function.
COL1A1-related disorder. Also called: COL1A1-related condition; COL1A1- related disease.

Allele frequency attached by ClinVar (database versions not stated): ExAC 0.00051; gnomAD exomes 0.00057; gnomAD 0.00064 and 0.00066; TOPMed 0.00074; ESP Exome Variant Server 0.00092.
gnomAD v4.1: 1,838 of 1,614,018 alleles (0.11%); highest among the groups gnomAD compares: Non-Finnish European, 0.14%; 3 homozygotes.

Submissions (18):

PreventionGenetics, part of Exact Sciences
Classification: Likely benign for COL1A1-related condition. Last evaluated: 2026-09-02. Review status: criteria provided, single submitter. Criteria: ACMG Guidelines, 2015. Collection method: clinical testing. Allele origin: germline.
Comment: This variant is classified as likely benign based on ACMG/AMP sequence variant interpretation guidelines (Richards et al. 2015 PMID: 25741868, with internal and published modifications).

CeGaT Center for Human Genetics Tuebingen
Classification: Likely benign. Last evaluated: 2026-06-01. Review status: criteria provided, single submitter. Criteria: CeGaT Center For Human Genetics Tuebingen Variant Classification Criteria Version 2. Collection method: clinical testing. Allele origin: germline. Affected: yes. Observed: 8 variant alleles.
Comment: COL1A1: BP4, BS1

Labcorp Genetics (formerly Invitae), Labcorp
Classification: Likely benign for Osteogenesis imperfecta type I. Last evaluated: 2026-01-31. Review status: criteria provided, single submitter. Criteria: Invitae Variant Classification Sherloc (09022015). Collection method: clinical testing. Allele origin: germline.

Molecular Diagnostic Laboratory for Inherited Cardiovascular Disease, Montreal Heart Institute
Classification: Likely benign. Last evaluated: 2025-04-09. Review status: criteria provided, single submitter. Criteria: ACMG Guidelines, 2015. Collection method: clinical testing. Allele origin: germline. Affected: no.
Comment: BS1

Mayo Clinic Laboratories, Mayo Clinic
Classification: Likely benign. Last evaluated: 2025-03-27. Review status: criteria provided, single submitter. Criteria: ACMG Guidelines, 2015. Collection method: clinical testing. Allele origin: germline. Observed: 10 variant alleles.
Comment: BS1, BP4, BP7

Laboratory of Genetics, Children's Clinical University Hospital Latvia
Classification: Benign. Last evaluated: 2025-02-16. Review status: criteria provided, single submitter. Criteria: ACMG Guidelines, 2015. Collection method: clinical testing. Allele origin: germline. Affected: yes.

ARUP Laboratories, Molecular Genetics and Genomics, ARUP Laboratories
Classification: Likely benign. Last evaluated: 2025-01-21. Review status: criteria provided, single submitter. Criteria: ARUP Molecular Germline Variant Investigation Process 2024. Collection method: clinical testing. Allele origin: germline.

Blueprint Genetics
Classification: Likely benign. Last evaluated: 2024-11-28. Review status: criteria provided, single submitter. Criteria: ACMG Guidelines, 2015. Collection method: clinical testing. Allele origin: germline.

Genome Diagnostics Laboratory, The Hospital for Sick Children
Classification: Likely benign for Ehlers-Danlos syndrome. Last evaluated: 2021-06-28. Review status: criteria provided, single submitter. Criteria: ACMG Guidelines, 2015. Collection method: clinical testing. Allele origin: germline.

Athena Diagnostics
Classification: Benign. Last evaluated: 2018-11-28. Review status: criteria provided, single submitter. Criteria: Athena Diagnostics Criteria. Collection method: clinical testing. Allele origin: germline.

Illumina Laboratory Services, Illumina
Classification: Uncertain significance for Infantile cortical hyperostosis. Last evaluated: 2018-01-12. Review status: criteria provided, single submitter. Criteria: ICSL Variant Classification Criteria 13 December 2019. Collection method: clinical testing. Allele origin: germline.

Illumina Laboratory Services, Illumina
Classification: Benign for Ehlers-Danlos syndrome, arthrochalasia type. Last evaluated: 2018-01-12. Review status: criteria provided, single submitter. Criteria: ICSL Variant Classification Criteria 13 December 2019. Collection method: clinical testing. Allele origin: germline.
Comment: This variant was observed in the ICSL laboratory as part of a predisposition screen in an ostensibly healthy population. It had not been previously curated by ICSL or reported in the Human Gene Mutation Database (HGMD: prior to June 1st, 2018), and was therefore a candidate for classification through an automated scoring system. Utilizing variant allele frequency, disease prevalence and penetrance estimates, and inheritance mode, an automated score was calculated to assess if this variant is too frequent to cause the disease. Based on the score and internal cut-off values, a variant classified as benign is not then subjected to further curation. The score for this variant resulted in a classification of benign for this disease.

Illumina Laboratory Services, Illumina
Classification: Likely benign for Osteogenesis imperfecta. Last evaluated: 2018-01-12. Review status: criteria provided, single submitter. Criteria: ICSL Variant Classification Criteria 13 December 2019. Collection method: clinical testing. Allele origin: germline.
Comment: This variant was observed in the ICSL laboratory as part of a predisposition screen in an ostensibly healthy population. It had not been previously curated by ICSL or reported in the Human Gene Mutation Database (HGMD: prior to June 1st, 2018), and was therefore a candidate for classification through an automated scoring system. Utilizing variant allele frequency, disease prevalence and penetrance estimates, and inheritance mode, an automated score was calculated to assess if this variant is too frequent to cause the disease. Based on the score and internal cut-off values, a variant classified as likely benign is not then subjected to further curation. The score for this variant resulted in a classification of likely benign for this disease.

GeneDx
Classification: Benign. Last evaluated: 2016-12-21. Review status: criteria provided, single submitter. Criteria: GeneDx Variant Classification (06012015). Collection method: clinical testing. Allele origin: germline. Affected: yes.
Comment: This variant is considered likely benign or benign based on one or more of the following criteria: it is a conservative change, it occurs at a poorly conserved position in the protein, it is predicted to be benign by multiple in silico algorithms, and/or has population frequency not consistent with disease.

Center for Human Genetics, Inc
Classification: Likely benign for Connective tissue disorder. Last evaluated: 2016-11-01. Review status: criteria provided, single submitter. Criteria: ACMG Guidelines, 2015. Collection method: clinical testing. Allele origin: germline. Affected: yes.

Genome Diagnostics Laboratory, Amsterdam University Medical Center
Classification: Likely benign. Review status: no assertion criteria provided. Collection method: clinical testing. Allele origin: germline. Affected: yes. Study: VKGL Data-share Consensus. Not counted in ClinVar's aggregate classification.

Genome Diagnostics Laboratory, University Medical Center Utrecht
Classification: Likely benign. Review status: no assertion criteria provided. Collection method: clinical testing. Allele origin: germline. Affected: yes. Study: VKGL Data-share Consensus. Not counted in ClinVar's aggregate classification.

Laboratory of Diagnostic Genome Analysis, Leiden University Medical Center (LUMC)
Classification: Likely benign. Review status: no assertion criteria provided. Collection method: clinical testing. Allele origin: germline. Affected: yes. Study: VKGL Data-share Consensus. Not counted in ClinVar's aggregate classification.

NM_000088.4(COL1A1):c.3099+7T>C

Gene: COL1A1 (collagen type I alpha 1 chain; minus strand). Cytogenetic location: 17q21.33.
Variant type: single nucleotide variant.
Coding change: c.3099+7T>C on transcript NM_000088.4 (MANE Select); 7 bases into the intron after coding-DNA position 3099, T replaced by C.
Molecular consequence: intron variant.
Genome position (GRCh38, 1-based): chr17:50,188,735, A>G on the plus strand (T>C on the coding strand, the complement: COL1A1 is on the minus strand). VCF-style: chr17-50188735-A-G. GRCh37 (hg19) VCF-style: chr17-48266096-A-G.
Other names: p.?.
Identifiers: ClinVar variation 324105 (VCV000324105.59), dbSNP rs201682029, ClinGen allele CA8644578.